The following is an entry in ClinVar:

ClinVar aggregate classification (germline): Benign/Likely benign. Review status: criteria provided, multiple submitters, no conflicts (2 of 4 stars). 10 submissions from 10 submitters: Benign (5); Likely benign (3). 2 of the submissions do not count toward it. Last evaluated 2026-01-28.

Conditions:
Primary ciliary dyskinesia. Also called: Ciliary dyskinesia. Identifiers: Orphanet 244, MedGen C0008780, MONDO:0016575, HP:0012265.
Primary ciliary dyskinesia 3. Identifiers: Orphanet 244, MedGen C1837618, MONDO:0012085, OMIM 608644.

Allele frequency attached by ClinVar (database versions not stated): gnomAD exomes 0.00140 and 0.00365; ExAC 0.00440; gnomAD 0.01375 and 0.01472; ESP Exome Variant Server 0.01407; TOPMed 0.01585; 1000 Genomes Project 0.01837; 1000 Genomes Project 30x 0.01843.

Submissions (13):

Labcorp Genetics (formerly Invitae), Labcorp
Classification: Benign for Primary ciliary dyskinesia. Last evaluated: 2026-01-28. Review status: criteria provided, single submitter. Criteria: Invitae Variant Classification Sherloc (09022015). Collection method: clinical testing. Allele origin: germline.

ARUP Laboratories, Molecular Genetics and Genomics, ARUP Laboratories
Classification: Benign for Primary ciliary dyskinesia 3. Last evaluated: 2024-04-08. Review status: criteria provided, single submitter. Criteria: ARUP Molecular Germline Variant Investigation Process 2024. Collection method: clinical testing. Allele origin: germline.

GeneDx
Classification: Likely benign. Last evaluated: 2024-02-23. Review status: criteria provided, single submitter. Criteria: GeneDx Variant Classification Process June 2021. Collection method: clinical testing. Allele origin: germline. Affected: yes.
Comment: See Variant Classification Assertion Criteria.

Illumina Laboratory Services, Illumina
Classification: Likely benign for Primary ciliary dyskinesia 3. Last evaluated: 2017-04-27. Review status: criteria provided, single submitter. Criteria: ICSL Variant Classification Criteria 13 December 2019. Collection method: clinical testing. Allele origin: germline.
Comment: This variant was observed as part of a predisposition screen in an ostensibly healthy population. A literature search was performed for the gene, cDNA change, and amino acid change (where applicable). No publications were found based on this search. Allele frequency data from public databases allowed determination this variant is unlikely to cause disease. Therefore, this variant is classified as likely benign.

Ambry Genetics
Classification: Benign for Primary ciliary dyskinesia. Last evaluated: 2015-01-16. Review status: criteria provided, single submitter. Criteria: Ambry Variant Classification Scheme 2023. Collection method: clinical testing. Allele origin: germline.

Laboratory for Molecular Medicine, Mass General Brigham Personalized Medicine
Classification: Benign. Last evaluated: 2013-02-21. Review status: criteria provided, single submitter. Criteria: LMM Criteria. Collection method: clinical testing. Allele origin: germline. Observed: 2 variant alleles.
Comment: Met1081Val in exon 21 of DNAH5: This variant is not expected to have clinical si gnificance because it has been identified in 4.1% (181/4406) of African American chromosomes from a broad population by the NHLBI Exome Sequencing Project (dbSNP rs16902880).

Breakthrough Genomics
Classification: Likely benign. Review status: criteria provided, single submitter. Criteria: ACMG Guidelines, 2015. Collection method: not provided. Allele origin: germline. Inheritance: Autosomal recessive inheritance. Affected: yes.

PreventionGenetics, part of Exact Sciences
Classification: Benign. Review status: criteria provided, single submitter. Criteria: ACMG Guidelines, 2015. Collection method: clinical testing. Allele origin: germline.

Natera, Inc.
Classification: Benign for Primary ciliary dyskinesia. Last evaluated: 2020-09-16. Review status: no assertion criteria provided. Collection method: clinical testing. Allele origin: germline. Not counted in ClinVar's aggregate classification.

Counsyl
Classification: Likely benign for Primary ciliary dyskinesia 3. Last evaluated: 2017-03-06. Review status: no assertion criteria provided. Collection method: clinical testing. Allele origin: unknown. Not counted in ClinVar's aggregate classification.

Dr. Peter K. Rogan Lab, Western University
No classification provided (evidence only). Condition: Clear cell carcinoma of kidney. Review status: no classification provided. Collection method: in vitro. Allele origin: not applicable. Functional consequence: retained intron. Not counted in ClinVar's aggregate classification.

Dr. Peter K. Rogan Lab, Western University
No classification provided (evidence only). Condition: Clear cell carcinoma of kidney. Review status: no classification provided. Collection method: in vitro. Allele origin: not applicable. Functional consequence: retained intron. Not counted in ClinVar's aggregate classification.

Dr. Peter K. Rogan Lab, Western University
No classification provided (evidence only). Condition: Uterine corpus endometrial carcinoma. Review status: no classification provided. Collection method: in vitro. Allele origin: not applicable. Functional consequence: retained intron. Not counted in ClinVar's aggregate classification.

NM_001369.3(DNAH5):c.3241A>G (p.Met1081Val)

Genes: DNAH5 (dynein axonemal heavy chain 5; minus strand), DNAH5-AS1 (DNAH5 antisense RNA 1; plus strand). Cytogenetic location: 5p15.2.
Variant type: single nucleotide variant.
Coding change: c.3241A>G on transcript NM_001369.3 (MANE Select); coding-DNA position 3241, A replaced by G.
Protein change: p.Met1081Val; replaces methionine 1081 with valine.
Molecular consequence: missense variant.
Genome position (GRCh38, 1-based): chr5:13,882,749, T>C on the plus strand (A>G on the coding strand, the complement: DNAH5 is on the minus strand). VCF-style: chr5-13882749-T-C. GRCh37 (hg19) VCF-style: chr5-13882858-T-C.
Other names: short protein forms M1081V.
Identifiers: ClinVar variation 178752 (VCV000178752.35), dbSNP rs16902880, ClinGen allele CA182939.